The following is an entry in ClinVar:

ClinVar aggregate classification (germline): Uncertain significance (1 of 4 stars; one submission).

Submission:

Labcorp Genetics (formerly Invitae), Labcorp
Classification: Uncertain significance. Last evaluated: 2022-05-04. Review status: criteria provided, single submitter. Criteria: Invitae Variant Classification Sherloc (09022015). Collection method: clinical testing. Allele origin: germline.
Comment: In summary, the available evidence is currently insufficient to determine the role of this variant in disease. Therefore, it has been classified as a Variant of Uncertain Significance. Algorithms developed to predict the effect of missense changes on protein structure and function are either unavailable or do not agree on the potential impact of this missense change (SIFT: "Deleterious"; PolyPhen-2: "Benign"; Align-GVGD: "Class C0"). This variant has not been reported in the literature in individuals affected with RNF168-related conditions. This variant is not present in population databases (gnomAD no frequency). This sequence change replaces arginine, which is basic and polar, with glycine, which is neutral and non-polar, at codon 67 of the RNF168 protein (p.Arg67Gly).

NM_152617.4(RNF168):c.199C>G (p.Arg67Gly)

Gene: RNF168 (ring finger protein 168; minus strand). Cytogenetic location: 3q29.
Variant type: single nucleotide variant.
Coding change: c.199C>G on transcript NM_152617.4 (MANE Select); coding-DNA position 199, C replaced by G.
Protein change: p.Arg67Gly; replaces arginine 67 with glycine.
Molecular consequence: missense variant.
Genome position (GRCh38, 1-based): chr3:196,502,975, G>C on the plus strand (C>G on the coding strand, the complement: RNF168 is on the minus strand). VCF-style: chr3-196502975-G-C. GRCh37 (hg19) VCF-style: chr3-196229846-G-C.
Other names: short protein forms R67G.
Identifiers: ClinVar variation 2133850 (VCV002133850.3), dbSNP rs2473979837, ClinGen allele CA355627981.